The following is an entry in ClinVar:

ClinVar aggregate classification (germline): Uncertain significance. Review status: criteria provided, multiple submitters, no conflicts (2 of 4 stars). 3 submissions from 3 submitters: Uncertain significance (3). Last evaluated 2025-08-31.

Conditions:
Inborn genetic diseases. Identifiers: MedGen C0950123, MeSH D030342.
Neuropathy, hereditary sensory and autonomic, type 2A (HSAN2A). Also called: MORVAN DISEASE; NEUROPATHY, CONGENITAL SENSORY; NEUROPATHY, HEREDITARY SENSORY RADICULAR, AUTOSOMAL RECESSIVE; NEUROPATHY, HEREDITARY SENSORY, TYPE IIA; NEUROPATHY, PROGRESSIVE SENSORY, OF CHILDREN; ACROOSTEOLYSIS, GIACCAI TYPE. Identifiers: Orphanet 970, MedGen C2752089, MONDO:0024309, OMIM 201300.
Generalized epilepsy with febrile seizures plus, type 7 (GEFSP7). Also called: GEFS+, TYPE 7. Identifiers: Orphanet 36387, MedGen C2751778, MONDO:0013470, OMIM 613863.

Allele frequency attached by ClinVar (database versions not stated): ExAC 0.00001; gnomAD exomes 0.00001; gnomAD 0.00002 and 0.00003; TOPMed 0.00003.
gnomAD v4.1: 97 of 1,597,700 alleles (0.0061%); highest among the groups gnomAD compares: Non-Finnish European, 0.0079%; no homozygotes.

Submissions (3):

Labcorp Genetics (formerly Invitae), Labcorp
Classification: Uncertain significance for Neuropathy, hereditary sensory and autonomic, type 2A; Generalized epilepsy with febrile seizures plus, type 7. Last evaluated: 2025-08-31. Review status: criteria provided, single submitter. Criteria: Invitae Variant Classification Sherloc (09022015). Collection method: clinical testing. Allele origin: germline.
Comment: This sequence change replaces arginine, which is basic and polar, with lysine, which is basic and polar, at codon 454 of the SCN9A protein (p.Arg454Lys). The frequency data for this variant in the population databases is considered unreliable, as metrics indicate poor data quality at this position in the gnomAD database. This variant has not been reported in the literature in individuals affected with SCN9A-related conditions. ClinVar contains an entry for this variant (Variation ID: 959382). Invitae Evidence Modeling of protein sequence and biophysical properties (such as structural, functional, and spatial information, amino acid conservation, physicochemical variation, residue mobility, and thermodynamic stability) indicates that this missense variant is not expected to disrupt SCN9A protein function with a negative predictive value of 95%. In summary, the available evidence is currently insufficient to determine the role of this variant in disease. Therefore, it has been classified as a Variant of Uncertain Significance.

Blueprint Genetics
Classification: Uncertain significance. Last evaluated: 2024-03-16. Review status: criteria provided, single submitter. Criteria: ACMG Guidelines, 2015. Collection method: clinical testing. Allele origin: germline.

Ambry Genetics
Classification: Uncertain significance for Inborn genetic diseases. Last evaluated: 2019-09-17. Review status: criteria provided, single submitter. Criteria: Ambry Variant Classification Scheme 2023. Collection method: clinical testing. Allele origin: germline.
Comment: The p.R454K variant (also known as c.1361G>A), located in coding exon 10 of the SCN9A gene, results from a G to A substitution at nucleotide position 1361. The arginine at codon 454 is replaced by lysine, an amino acid with highly similar properties. This amino acid position is not well conserved in available vertebrate species. In addition, this alteration is predicted to be tolerated by in silico analysis. Since supporting evidence is limited at this time, the clinical significance of this alteration remains unclear.

NM_001365536.1(SCN9A):c.1361G>A (p.Arg454Lys)

Genes: SCN1A-AS1 (SCN1A and SCN9A antisense RNA 1; plus strand), SCN9A (sodium voltage-gated channel alpha subunit 9; minus strand). Cytogenetic location: 2q24.3.
Variant type: single nucleotide variant.
Coding change: c.1361G>A on transcript NM_001365536.1 (MANE Select); coding-DNA position 1361, G replaced by A.
Protein change: p.Arg454Lys; replaces arginine 454 with lysine.
Molecular consequence: missense variant.
Genome position (GRCh38, 1-based): chr2:166,286,577, C>T on the plus strand (G>A on the coding strand, the complement: SCN9A is on the minus strand). VCF-style: chr2-166286577-C-T. GRCh37 (hg19) VCF-style: chr2-167143087-C-T.
Other names: c.1361G>A, p.Arg454Lys (NM_002977.4); short protein forms R454K.
Identifiers: ClinVar variation 959382 (VCV000959382.11), dbSNP rs199825426, ClinGen allele CA1944521.
Genomic context (GRCh38, chr2:166,286,577, plus strand): 5'-TTAGCACTTTTAGAGCTCAGTTTGGATGTTTCAGAAGAACTCTCTGAGAGGCCCATAATT[C>T]TGCTTCTCCTAATACTTGTATATTCAGCCGCTGCCGCTGCAATTGCCTGGTTGGGCCAAG-3'
Protein context (NP_001352465.1, residues 444-464): AAEYTSIRRS[Arg454Lys]IMGLSESSSE